The following is an entry in ClinVar:

NM_001267550.2(TTN):c.105415A>G (p.Thr35139Ala)

Genes: TTN (titin; minus strand), TTN-AS1 (TTN antisense RNA 1; plus strand). Cytogenetic location: 2q31.2.
Variant type: single nucleotide variant.
Coding change: c.105415A>G on transcript NM_001267550.2 (MANE Select); coding-DNA position 105415, A replaced by G.
Protein change: p.Thr35139Ala; replaces threonine 35139 with alanine.
Molecular consequence: missense variant.
Genome position (GRCh38, 1-based): chr2:178,531,200, T>C on the plus strand (A>G on the coding strand, the complement: TTN is on the minus strand). VCF-style: chr2-178531200-T-C. GRCh37 (hg19) VCF-style: chr2-179395927-T-C.
Other names: c.100492A>G, p.Thr33498Ala (NM_001256850.1); c.78220A>G, p.Thr26074Ala (NM_003319.4); c.97711A>G, p.Thr32571Ala (NM_133378.4); c.78595A>G, p.Thr26199Ala (NM_133432.3); c.78796A>G, p.Thr26266Ala (NM_133437.4); short protein forms T32571A, T33498A, T26199A, T35139A, T26074A, T26266A.
Identifiers: ClinVar variation 962747 (VCV000962747.6), dbSNP rs1029303559, ClinGen allele CA60953941.
Genomic context (GRCh38, chr2:178,531,200, plus strand): 5'-TTGGTACCGGCTCACCATCGGTGTCACAAGAAAACCTTGCAGACTCGCCCTCGTAGACGG[T>C]CATGGACCGTGGCTTTGTTAGAATTCTTGCTGCCAAAGTCGTCTTGATCTTTCTGGTTGT-3'
Protein context (NP_001254479.2, residues 35129-35149): ARILTKPRSM[Thr35139Ala]VYEGESARFS

ClinVar aggregate classification (germline): Uncertain significance (1 of 4 stars; one submission).

Conditions:
Dilated cardiomyopathy 1G (CMD1G). Identifiers: Orphanet 154, MedGen C1858763, MONDO:0011400, OMIM 604145.
Autosomal recessive limb-girdle muscular dystrophy type 2J (LGMDR10). Also called: Limb-girdle muscular dystrophy, type 2J; MUSCULAR DYSTROPHY, LIMB-GIRDLE, AUTOSOMAL RECESSIVE 10. Identifiers: Orphanet 140922, MedGen C1837342, MONDO:0012127, OMIM 608807.

Submission:

Labcorp Genetics (formerly Invitae), Labcorp
Classification: Uncertain significance for Dilated cardiomyopathy 1G; Autosomal recessive limb-girdle muscular dystrophy type 2J. Last evaluated: 2025-12-01. Review status: criteria provided, single submitter. Criteria: Invitae Variant Classification Sherloc (09022015). Collection method: clinical testing. Allele origin: germline.
Comment: This sequence change replaces threonine, which is neutral and polar, with alanine, which is neutral and non-polar, at codon 35139 of the TTN protein (p.Thr35139Ala). This variant is not present in population databases (gnomAD no frequency). This variant has not been reported in the literature in individuals affected with TTN-related conditions. ClinVar contains an entry for this variant (Variation ID: 962747). Experimental studies and prediction algorithms are not available or were not evaluated, and the functional significance of this variant is currently unknown. This variant is located in the M band of TTN (PMID: 25589632). Non-truncating variants in this region may be relevant for neuromuscular disorders, but have not been definitively shown to cause cardiomyopathy (PMID: 23975875). In summary, the available evidence is currently insufficient to determine the role of this variant in disease. Therefore, it has been classified as a Variant of Uncertain Significance.

Literature cited by the submitters: PubMed 25589632; PubMed 23975875.